The following is an entry in ClinVar:

ClinVar aggregate classification (germline): Likely benign (1 of 4 stars; one submission).

Conditions:
PEX14-related disorder. Also called: PEX14-related condition.

Submission:

PreventionGenetics, part of Exact Sciences
Classification: Likely benign for PEX14-related condition. Last evaluated: 2024-12-20. Review status: criteria provided, single submitter. Criteria: ACMG Guidelines, 2015. Collection method: clinical testing. Allele origin: germline.
Comment: This variant is classified as likely benign based on ACMG/AMP sequence variant interpretation guidelines (Richards et al. 2015 PMID: 25741868, with internal and published modifications).

NM_004565.3(PEX14):c.648T>A (p.Ile216=)

Gene: PEX14 (peroxisomal biogenesis factor 14; plus strand). Cytogenetic location: 1p36.22.
Variant type: single nucleotide variant.
Coding change: c.648T>A on transcript NM_004565.3 (MANE Select); coding-DNA position 648, T replaced by A.
Protein change: p.Ile216=; no amino-acid change (isoleucine 216 retained).
Molecular consequence: synonymous variant.
Genome position (GRCh38, 1-based): chr1:10,627,334, T>A. VCF-style: chr1-10627334-T-A. GRCh37 (hg19) VCF-style: chr1-10687391-T-A.
Identifiers: ClinVar variation 5002547 (VCV005002547.1).